The following is an entry in ClinVar:

NM_017721.5(CC2D1A):c.1903A>T (p.Thr635Ser)

Gene: CC2D1A (coiled-coil and C2 domain containing 1A; plus strand). Cytogenetic location: 19p13.12.
Variant type: single nucleotide variant.
Coding change: c.1903A>T on transcript NM_017721.5 (MANE Select); coding-DNA position 1903, A replaced by T.
Protein change: p.Thr635Ser; replaces threonine 635 with serine.
Molecular consequence: missense variant.
Genome position (GRCh38, 1-based): chr19:13,923,774, A>T. VCF-style: chr19-13923774-A-T. GRCh37 (hg19) VCF-style: chr19-14034587-A-T.
Other names: c.1903A>T, p.Thr635Ser (NM_001411138.1); c.1903A>T (NM_017721.4); short protein forms T635S.
Identifiers: ClinVar variation 3764634 (VCV003764634.2).
Genomic context (GRCh38, chr19:13,923,774, plus strand): 5'-GACTGTAAGCGGAGCATGGACATTCTGAAGCAAGCCTTCGTCCGGGGTCTCCCCACGCCC[A>T]CCGCCCGCTTTGAGCAAAGGACCTTCAGCGTCATCAAGTAAGGCTCCTGATCTACGCCCC-3'
Protein context (NP_060191.3, residues 625-645): QAFVRGLPTP[Thr635Ser]ARFEQRTFSV

ClinVar aggregate classification (germline): Uncertain significance. Review status: criteria provided, multiple submitters, no conflicts (2 of 4 stars). 2 submissions from 2 submitters: Uncertain significance (2). Last evaluated 2025-07-02.

Conditions:
Intellectual developmental disorder, autosomal recessive 3. Also called: Intellectual disability, autosomal recessive 3. Identifiers: Orphanet 88616, MedGen C1838023, MONDO:0012037, OMIM 608443.
Inborn genetic diseases. Identifiers: MedGen C0950123, MeSH D030342.

gnomAD v4.1: 6 of 1,614,130 alleles (0.00037%); highest among the groups gnomAD compares: East Asian, 0.013%; no homozygotes.

Submissions (2):

Ambry Genetics
Classification: Uncertain significance for Inborn genetic diseases. Last evaluated: 2025-07-02. Review status: criteria provided, single submitter. Criteria: Ambry Variant Classification Scheme 2023. Collection method: clinical testing. Allele origin: germline.

Daryl Scott Lab, Baylor College of Medicine
Classification: Uncertain significance for Intellectual developmental disorder, autosomal recessive 3. Last evaluated: 2024-01-01. Review status: criteria provided, single submitter. Criteria: ACMG Guidelines, 2015. Collection method: clinical testing. Allele origin: maternal. Observed: 1 heterozygote.
Comment: PM2